The following is an entry in ClinVar:

ClinVar aggregate classification (germline): Conflicting classifications of pathogenicity. Review status: criteria provided, conflicting classifications (1 of 4 stars). 2 submissions from 2 submitters: Uncertain significance (1); Likely benign (1). Last evaluated 2025-02-06.

Allele frequency attached by ClinVar (database versions not stated): TOPMed 0.00024; ExAC 0.00027; ESP Exome Variant Server 0.00031; gnomAD 0.00031; gnomAD exomes 0.00034.
gnomAD v4.1: 535 of 1,613,952 alleles (0.033%); highest among the groups gnomAD compares: Non-Finnish European, 0.037%; no homozygotes.

Submissions (2):

Labcorp Genetics (formerly Invitae), Labcorp
Classification: Uncertain significance. Last evaluated: 2025-02-06. Review status: criteria provided, single submitter. Criteria: Invitae Variant Classification Sherloc (09022015). Collection method: clinical testing. Allele origin: germline.
Comment: This sequence change falls in intron 8 of the ACACA gene. It does not directly change the encoded amino acid sequence of the ACACA protein. It affects a nucleotide within the consensus splice site. This variant is present in population databases (rs367793824, gnomAD 0.09%), and has an allele count higher than expected for a pathogenic variant. This variant has not been reported in the literature in individuals affected with ACACA-related conditions. ClinVar contains an entry for this variant (Variation ID: 2647694). Variants that disrupt the consensus splice site are a relatively common cause of aberrant splicing (PMID: 17576681, 9536098). Algorithms developed to predict the effect of sequence changes on RNA splicing suggest that this variant is not likely to affect RNA splicing. In summary, the available evidence is currently insufficient to determine the role of this variant in disease. Therefore, it has been classified as a Variant of Uncertain Significance.

CeGaT Center for Human Genetics Tuebingen
Classification: Likely benign. Last evaluated: 2022-11-01. Review status: criteria provided, single submitter. Criteria: CeGaT Center For Human Genetics Tuebingen Variant Classification Criteria Version 2. Collection method: clinical testing. Allele origin: germline. Affected: yes. Observed: 2 variant alleles.
Comment: ACACA: BP4

Literature cited by the submitters: PubMed 17576681 (cited by Labcorp Genetics (formerly Invitae), Labcorp); PubMed 9536098 (cited by Labcorp Genetics (formerly Invitae), Labcorp).

NM_198834.3(ACACA):c.472-3C>T

Gene: ACACA (acetyl-CoA carboxylase alpha; minus strand). Cytogenetic location: 17q12.
Variant type: single nucleotide variant.
Coding change: c.472-3C>T on transcript NM_198834.3 (MANE Select); 3 bases into the intron before coding-DNA position 472, C replaced by T.
Molecular consequence: intron variant.
Genome position (GRCh38, 1-based): chr17:37,283,408, G>A on the plus strand (C>T on the coding strand, the complement: ACACA is on the minus strand). VCF-style: chr17-37283408-G-A. GRCh37 (hg19) VCF-style: chr17-35640309-G-A.
Other names: c.361-3C>T (NM_198839.3, NM_198836.3); c.187-3C>T (NM_198837.2); c.127-3C>T (NM_198838.2).
Identifiers: ClinVar variation 2647694 (VCV002647694.27), dbSNP rs367793824, ClinGen allele CA8515995.